The following is an entry in ClinVar:

ClinVar aggregate classification (germline): Pathogenic (1 of 4 stars; one submission).

Conditions:
Ellis-van Creveld syndrome (EVC). Also called: MESOECTODERMAL DYSPLASIA; Chondroectodermal dysplasia. Identifiers: Orphanet 289, MedGen C0013903, MONDO:0009162, OMIM 225500.

Submission:

Myriad Genetics, Inc.
Classification: Pathogenic for Ellis-van Creveld syndrome. Last evaluated: 2023-09-27. Review status: criteria provided, single submitter. Criteria: Myriad Autosomal Dominant, Autosomal Recessive and X-Linked Classification Criteria (2023). Collection method: clinical testing. Allele origin: unknown.
Comment: NM_153717.2(EVC):c.2242dupC(L748Pfs*19) is expected to be pathogenic in the context of EVC-related Ellis-van Creveld syndrome. This variant is predicted to lead to an abnormal or absent protein product due to the creation of a premature termination codon in EVC, a gene where loss-of-function variants are known to be pathogenic. Please note: this variant was assessed in the context of healthy population screening.

NM_153717.3(EVC):c.2242dup (p.Leu748fs)

Gene: EVC (EvC ciliary complex subunit 1; plus strand). Cytogenetic location: 4p16.2.
Variant type: Duplication.
Coding change: c.2242dup on transcript NM_153717.3 (MANE Select); coding-DNA position 2242, one base duplicated (C; older notation c.2242dupC).
Protein change: p.Leu748fs; shifts the reading frame from leucine 748.
Molecular consequence: frameshift variant.
Genome position (GRCh38, 1-based): chr4:5,798,730, C duplicated. VCF-style (leftmost placement, unchanged base first): chr4-5798729-G-GC. GRCh37 (hg19) VCF-style: chr4-5800456-G-GC.
Other names: c.2242dup, p.Leu748fs (NM_001306090.2); short protein forms L748fs.
Identifiers: ClinVar variation 5012110 (VCV005012110.1).
Genomic context (GRCh38, chr4:5,798,729, plus strand): 5'-CGAGGCCCAGGAGGTGGGGCAGCTTCTGCAGCAGCACATGGAGTGCGCCATTGGGCAGGC[G>GC]CTGCTGGTGCATGCACGGAATGCAGCCACCAAGAGCCGGGCCAAGGACAGGGATGACTTC-3'